The following is an entry in ClinVar:

NM_001375524.1(TRRAP):c.1814T>C (p.Val605Ala)

Gene: TRRAP (transformation/transcription domain associated protein; plus strand). Cytogenetic location: 7q22.1.
Variant type: single nucleotide variant.
Coding change: c.1814T>C on transcript NM_001375524.1 (MANE Select); coding-DNA position 1814, T replaced by C.
Protein change: p.Val605Ala; replaces valine 605 with alanine.
Molecular consequence: missense variant.
Genome position (GRCh38, 1-based): chr7:98,911,078, T>C. VCF-style: chr7-98911078-T-C. GRCh37 (hg19) VCF-style: chr7-98508701-T-C.
Other names: c.1814T>C, p.Val605Ala (NM_001244580.2, NM_003496.4); short protein forms V605A.
Identifiers: ClinVar variation 2580081 (VCV002580081.2), dbSNP rs2484715836, ClinGen allele CA368287658.

ClinVar aggregate classification (germline): Uncertain significance. Review status: criteria provided, single submitter (1 of 4 stars). 2 submissions from 2 submitters: Uncertain significance (1). 1 of the submissions does not count toward it. Last evaluated 2023-03-16.

Conditions:
TRRAP-related disorder. Also called: TRRAP-related condition.

gnomAD v4.1: 1 of 1,613,698 alleles (0.000062%); no homozygotes.

Submissions (2):

GeneDx
Classification: Uncertain significance. Last evaluated: 2023-03-16. Review status: criteria provided, single submitter. Criteria: GeneDx Variant Classification Process June 2021. Collection method: clinical testing. Allele origin: germline. Affected: yes.
Comment: Not observed at significant frequency in large population cohorts (gnomAD); In silico analysis supports that this missense variant has a deleterious effect on protein structure/function; Has not been previously published as pathogenic or benign to our knowledge

PreventionGenetics, part of Exact Sciences
Classification: Uncertain significance for TRRAP-related condition. Last evaluated: 2024-03-08. Review status: no assertion criteria provided. Collection method: clinical testing. Allele origin: germline. Not counted in ClinVar's aggregate classification.
Comment: The TRRAP c.1814T>C variant is predicted to result in the amino acid substitution p.Val605Ala. To our knowledge, this variant has not been reported in the literature or in a large population database, indicating this variant is rare. At this time, the clinical significance of this variant is uncertain due to the absence of conclusive functional and genetic evidence.